The following is an entry in ClinVar:

ClinVar aggregate classification (germline): Uncertain significance (1 of 4 stars; one submission).

Conditions:
HECTD4-related disorder. Also called: HECTD4-related condition.

gnomAD v4.1: 1 of 1,613,388 alleles (0.000062%); highest among the groups gnomAD compares: African/African-American, 0.0013%; no homozygotes.

Submission:

PreventionGenetics, part of Exact Sciences
Classification: Uncertain significance for HECTD4-related condition. Last evaluated: 2025-04-02. Review status: criteria provided, single submitter. Criteria: ACMG Guidelines, 2015. Collection method: clinical testing. Allele origin: germline.
Comment: The HECTD4 c.11840G>A variant is predicted to result in the amino acid substitution p.Cys3947Tyr. To our knowledge, this variant has not been reported in the literature. This variant is reported in 0.00089% of alleles in individuals of European (Non-Finnish) descent in gnomAD. At this time, the clinical significance of this variant is uncertain due to the absence of conclusive functional and genetic evidence.

NM_001388303.1(HECTD4):c.12242G>A (p.Cys4081Tyr)

Gene: HECTD4 (HECT domain E3 ubiquitin protein ligase 4; minus strand). Cytogenetic location: 12q24.13.
Variant type: single nucleotide variant.
Coding change: c.12242G>A on transcript NM_001388303.1 (MANE Select); coding-DNA position 12242, G replaced by A.
Protein change: p.Cys4081Tyr; replaces cysteine 4081 with tyrosine.
Molecular consequence: missense variant.
Genome position (GRCh38, 1-based): chr12:112,167,884, C>T on the plus strand (G>A on the coding strand, the complement: HECTD4 is on the minus strand). VCF-style: chr12-112167884-C-T. GRCh37 (hg19) VCF-style: chr12-112605688-C-T.
Other names: c.12272G>A, p.Cys4091Tyr (NM_001109662.4); short protein forms C4081Y, C4091Y.
Identifiers: ClinVar variation 5001206 (VCV005001206.1).